The following is an entry in ClinVar:

ClinVar aggregate classification (germline): Benign. Review status: criteria provided, multiple submitters, no conflicts (2 of 4 stars). 7 submissions from 7 submitters: Benign (6). 1 of the submissions does not count toward it. Last evaluated 2026-02-04.

Conditions:
COG7-related disorder. Also called: COG7-related condition.
COG7 congenital disorder of glycosylation (CDG2E). Also called: CONGENITAL DISORDER OF GLYCOSYLATION, TYPE IIe; CDG IIe. Identifiers: Orphanet 79333, MedGen C2931010, MONDO:0012118, OMIM 608779.

Allele frequency attached by ClinVar (database versions not stated): gnomAD exomes 0.03524 and 0.05519; ExAC 0.05643; gnomAD 0.08996 and 0.09257; ESP Exome Variant Server 0.09243; TOPMed 0.10005; 1000 Genomes Project 0.10783; 1000 Genomes Project 30x 0.10993.
gnomAD v4.1: 65,930 of 1,614,098 alleles (4.1%); highest among the groups gnomAD compares: African/African-American, 22%; 2,983 homozygotes.

Submissions (7):

Labcorp Genetics (formerly Invitae), Labcorp
Classification: Benign for COG7 congenital disorder of glycosylation. Last evaluated: 2026-02-04. Review status: criteria provided, single submitter. Criteria: Invitae Variant Classification Sherloc (09022015). Collection method: clinical testing. Allele origin: germline.

Mayo Clinic Laboratories, Mayo Clinic
Classification: Benign. Last evaluated: 2018-07-19. Review status: criteria provided, single submitter. Criteria: ACMG Guidelines, 2015. Collection method: clinical testing. Allele origin: germline. Observed: 91 variant alleles.

Illumina Laboratory Services, Illumina
Classification: Benign for COG7 congenital disorder of glycosylation. Last evaluated: 2018-01-13. Review status: criteria provided, single submitter. Criteria: ICSL Variant Classification Criteria 13 December 2019. Collection method: clinical testing. Allele origin: germline.
Comment: This variant was observed in the ICSL laboratory as part of a predisposition screen in an ostensibly healthy population. It had not been previously curated by ICSL or reported in the Human Gene Mutation Database (HGMD: prior to June 1st, 2018), and was therefore a candidate for classification through an automated scoring system. Utilizing variant allele frequency, disease prevalence and penetrance estimates, and inheritance mode, an automated score was calculated to assess if this variant is too frequent to cause the disease. Based on the score and internal cut-off values, a variant classified as benign is not then subjected to further curation. The score for this variant resulted in a classification of benign for this disease.

GeneDx
Classification: Benign. Last evaluated: 2015-12-10. Review status: criteria provided, single submitter. Criteria: GeneDx Variant Classification (06012015). Collection method: clinical testing. Allele origin: germline. Affected: yes.
Comment: This variant is considered likely benign or benign based on one or more of the following criteria: it is a conservative change, it occurs at a poorly conserved position in the protein, it is predicted to be benign by multiple in silico algorithms, and/or has population frequency not consistent with disease.

Eurofins Ntd Llc (ga)
Classification: Benign. Last evaluated: 2012-07-26. Review status: criteria provided, single submitter. Criteria: EGL Classification Definitions 2015. Collection method: clinical testing. Allele origin: germline. Observed: 7 variant alleles, 7 heterozygotes.

Breakthrough Genomics
Classification: Benign. Review status: criteria provided, single submitter. Criteria: ACMG Guidelines, 2015. Collection method: not provided. Allele origin: germline. Inheritance: Autosomal recessive inheritance. Affected: yes.

PreventionGenetics, part of Exact Sciences
Classification: Benign for COG7-related condition. Last evaluated: 2019-05-31. Review status: no assertion criteria provided. Collection method: clinical testing. Allele origin: germline. Not counted in ClinVar's aggregate classification.
Comment: This variant is classified as benign based on ACMG/AMP sequence variant interpretation guidelines (Richards et al. 2015 PMID: 25741868, with internal and published modifications).

NM_153603.4(COG7):c.2103T>C (p.Pro701=)

Gene: COG7 (component of oligomeric golgi complex 7; minus strand). Cytogenetic location: 16p12.2.
Variant type: single nucleotide variant.
Coding change: c.2103T>C on transcript NM_153603.4 (MANE Select); coding-DNA position 2103, T replaced by C.
Protein change: p.Pro701=; no amino-acid change (proline 701 retained).
Molecular consequence: synonymous variant.
Genome position (GRCh38, 1-based): chr16:23,392,423, A>G on the plus strand (T>C on the coding strand, the complement: COG7 is on the minus strand). VCF-style: chr16-23392423-A-G. GRCh37 (hg19) VCF-style: chr16-23403744-A-G.
Other names: p.Pro701=.
Identifiers: ClinVar variation 96523 (VCV000096523.21), dbSNP rs8057712, ClinGen allele CA149581.
Genomic context (GRCh38, chr16:23,392,423, plus strand): 5'-GTCTTGTGGGGACCCACCGATGTCAGTGGCCAGCTGCTTGGCAGAGTGTGGGCTCAGCTC[A>G]GGGATCTGTAGGATCGCATCACAGTAGGTCTGCATTGTGGCTCTGGCGATCGAGCCCAGC-3'
Protein context (NP_705831.1, residues 691-711): QTYCDAILQI[Pro701=]ELSPHSAKQL